The following is an entry in ClinVar:

NM_003383.5(VLDLR):c.-69A>G

Genes: VLDLR (very low density lipoprotein receptor; plus strand), VLDLR-AS1 (VLDLR antisense RNA 1; minus strand). Cytogenetic location: 9p24.2.
Variant type: single nucleotide variant.
Coding change: c.-69A>G on transcript NM_003383.5 (MANE Select); 69 bases upstream of the start codon, A replaced by G.
Molecular consequence: 5 prime UTR variant. On other transcripts: non-coding transcript variant (1).
Genome position (GRCh38, 1-based): chr9:2,622,121, A>G. VCF-style: chr9-2622121-A-G. GRCh37 (hg19) VCF-style: chr9-2622121-A-G.
Other names: c.-69A>G (NM_001018056.3, NM_001322225.2, NM_001322226.2).
Identifiers: ClinVar variation 366352 (VCV000366352.8), dbSNP rs12379259, ClinGen allele CA10633285.

ClinVar aggregate classification (germline): Benign. Review status: criteria provided, multiple submitters, no conflicts (2 of 4 stars). 3 submissions from 3 submitters: Benign (3). Last evaluated 2018-06-19.

Conditions:
Cerebellar ataxia, impaired intellectual development, and dysequilibrium syndrome 1. Also called: Cerebellar hypoplasia and mental retardation with or without quadrupedal locomotion 1; Cerebellar ataxia, mental retardation, and dysequilibrium syndrome 1; Cerebellar ataxia, intellectual disability, and dysequilibrium syndrome 1; VLDLR Cerebellar Hypoplasia; CEREBELLAR ATAXIA AND MENTAL RETARDATION WITH OR WITHOUT QUADRUPEDAL LOCOMOTION 1; CEREBELLAR ATAXIA, CONGENITAL, AND MENTAL RETARDATION, AUTOSOMAL RECESSIVE. Identifiers: Orphanet 1766, MedGen C4551552, MONDO:0024542, OMIM 224050.

Allele frequency attached by ClinVar (database versions not stated): 1000 Genomes Project 30x 0.79919; 1000 Genomes Project 0.81230; gnomAD 0.81257 and 0.81906; TOPMed 0.81759; gnomAD exomes 0.76719.
gnomAD v4.1: 1,081,084 of 1,400,890 alleles (77%); highest among the groups gnomAD compares: African/African-American, 89%; 419,861 homozygotes.

Submissions (3):

GeneDx
Classification: Benign. Last evaluated: 2018-06-19. Review status: criteria provided, single submitter. Criteria: GeneDx Variant Classification (06012015). Collection method: clinical testing. Allele origin: germline. Affected: yes.
Comment: This variant is considered likely benign or benign based on one or more of the following criteria: it is a conservative change, it occurs at a poorly conserved position in the protein, it is predicted to be benign by multiple in silico algorithms, and/or has population frequency not consistent with disease.

Illumina Laboratory Services, Illumina
Classification: Benign for Cerebellar ataxia, impaired intellectual development, and dysequilibrium syndrome 1. Last evaluated: 2018-01-13. Review status: criteria provided, single submitter. Criteria: ICSL Variant Classification Criteria 13 December 2019. Collection method: clinical testing. Allele origin: germline.
Comment: This variant was observed in the ICSL laboratory as part of a predisposition screen in an ostensibly healthy population. It had not been previously curated by ICSL or reported in the Human Gene Mutation Database (HGMD: prior to June 1st, 2018), and was therefore a candidate for classification through an automated scoring system. Utilizing variant allele frequency, disease prevalence and penetrance estimates, and inheritance mode, an automated score was calculated to assess if this variant is too frequent to cause the disease. Based on the score and internal cut-off values, a variant classified as benign is not then subjected to further curation. The score for this variant resulted in a classification of benign for this disease.

Breakthrough Genomics
Classification: Benign. Review status: criteria provided, single submitter. Criteria: ACMG Guidelines, 2015. Collection method: not provided. Allele origin: germline. Inheritance: Autosomal recessive inheritance. Affected: yes.